The following is an entry in ClinVar:

NM_001039958.2(MESP2):c.393C>A (p.Tyr131Ter)

Genes: MESP2 (mesoderm posterior bHLH transcription factor 2; plus strand), LOC130057891 (ATAC-STARR-seq lymphoblastoid silent region 6806; plus strand). Cytogenetic location: 15q26.1.
Variant type: single nucleotide variant.
Coding change: c.393C>A on transcript NM_001039958.2 (MANE Select); coding-DNA position 393, C replaced by A.
Protein change: p.Tyr131Ter; replaces tyrosine 131 with a stop codon.
Molecular consequence: nonsense.
Genome position (GRCh38, 1-based): chr15:89,776,750, C>A. VCF-style: chr15-89776750-C-A. GRCh37 (hg19) VCF-style: chr15-90319981-C-A.
Other names: short protein forms Y131*.
Identifiers: ClinVar variation 2099350 (VCV002099350.4), dbSNP rs2505185956, ClinGen allele CA393770000.

ClinVar aggregate classification (germline): Pathogenic (1 of 4 stars; one submission).

Submission:

Labcorp Genetics (formerly Invitae), Labcorp
Classification: Pathogenic. Last evaluated: 2022-03-02. Review status: criteria provided, single submitter. Criteria: Invitae Variant Classification Sherloc (09022015). Collection method: clinical testing. Allele origin: germline.
Comment: For these reasons, this variant has been classified as Pathogenic. This variant has not been reported in the literature in individuals affected with MESP2-related conditions. This variant is not present in population databases (gnomAD no frequency). This sequence change creates a premature translational stop signal (p.Tyr131*) in the MESP2 gene. It is expected to result in an absent or disrupted protein product. Loss-of-function variants in MESP2 are known to be pathogenic (PMID: 9242490, 18485326).

Literature cited by the submitters: PubMed 9242490; PubMed 18485326.